The following is an entry in ClinVar:

ClinVar aggregate classification (germline): Uncertain significance (1 of 4 stars; one submission).

Conditions:
ADCY3-related disorder. Also called: ADCY3-related condition.

gnomAD v4.1: 8 of 1,565,072 alleles (0.00051%); highest among the groups gnomAD compares: Admixed American, 0.013%; no homozygotes.

Submission:

PreventionGenetics, part of Exact Sciences
Classification: Uncertain significance for ADCY3-related condition. Last evaluated: 2026-08-25. Review status: criteria provided, single submitter. Criteria: ACMG Guidelines, 2015. Collection method: clinical testing. Allele origin: germline.
Comment: The ADCY3 c.1178C>T variant is predicted to result in the amino acid substitution p.Ala393Val. To our knowledge, this variant has not been reported in the literature. This variant is reported in 0.0037% of alleles in individuals of Latino descent in gnomAD. At this time, the clinical significance of this variant is uncertain due to the absence of conclusive functional and genetic evidence.

NM_004036.5(ADCY3):c.1178C>T (p.Ala393Val)

Gene: ADCY3 (adenylate cyclase 3; minus strand). Cytogenetic location: 2p23.3.
Variant type: single nucleotide variant.
Coding change: c.1178C>T on transcript NM_004036.5 (MANE Select); coding-DNA position 1178, C replaced by T.
Protein change: p.Ala393Val; replaces alanine 393 with valine.
Molecular consequence: missense variant.
Genome position (GRCh38, 1-based): chr2:24,841,277, G>A on the plus strand (C>T on the coding strand, the complement: ADCY3 is on the minus strand). VCF-style: chr2-24841277-G-A. GRCh37 (hg19) VCF-style: chr2-25064146-G-A.
Other names: c.1178C>T, p.Ala393Val (NM_001320613.2, NM_001377128.1, NM_001377129.1 and 2 more transcripts); c.455C>T, p.Ala152Val (NM_001377131.1); short protein forms A152V, A393V.
Identifiers: ClinVar variation 4984301 (VCV004984301.1).